The following is an entry in ClinVar:

ClinVar aggregate classification (germline): Pathogenic. Review status: criteria provided, multiple submitters, no conflicts (2 of 4 stars). 6 submissions from 6 submitters: Pathogenic (6). Last evaluated 2024-04-05.

Conditions:
DYSF-related disorder. Also called: DYSF-related condition; DYSF-related disorders.
Neuromuscular disease caused by qualitative or quantitative defects of dysferlin. Also called: Dysferlinopathy; Qualitative or quantitative defects of dysferlin. Identifiers: Orphanet 207073, MedGen C2931687, MONDO:0016145.
Autosomal recessive limb-girdle muscular dystrophy type 2B (LGMDR2). Also called: Limb-girdle muscular dystrophy, type 2B; MUSCULAR DYSTROPHY, LIMB-GIRDLE, AUTOSOMAL RECESSIVE 2; Limb-Girdle Muscular Dystrophy Type 2B (LGMD2B); MUSCULAR DYSTROPHY, LIMB-GIRDLE, TYPE 3. Identifiers: Orphanet 268, MedGen C1850889, MONDO:0009676, OMIM 253601.

Submissions (6):

Labcorp Genetics (formerly Invitae), Labcorp
Classification: Pathogenic for Neuromuscular disease caused by qualitative or quantitative defects of dysferlin. Last evaluated: 2024-04-05. Review status: criteria provided, single submitter. Criteria: Invitae Variant Classification Sherloc (09022015). Collection method: clinical testing. Allele origin: germline.
Comment: This sequence change creates a premature translational stop signal (p.Ile57Hisfs*8) in the DYSF gene. It is expected to result in an absent or disrupted protein product. Loss-of-function variants in DYSF are known to be pathogenic (PMID: 17698709, 20301480). This variant is not present in population databases (gnomAD no frequency). This premature translational stop signal has been observed in individuals with Miyoshi myopathy or limb-girdle muscular dystrophy (LGMD) (PMID: 9731526, 27671536). This variant is also known as 537insA or c.164_165insA. ClinVar contains an entry for this variant (Variation ID: 217222). For these reasons, this variant has been classified as Pathogenic.

Genomic Medicine Center of Excellence, King Faisal Specialist Hospital and Research Centre
Classification: Pathogenic for Autosomal recessive limb-girdle muscular dystrophy type 2B. Last evaluated: 2024-04-04. Review status: criteria provided, single submitter. Criteria: ACMG Guidelines, 2015. Collection method: clinical testing. Allele origin: germline.

Blueprint Genetics
Classification: Pathogenic for DYSF-related disorders. Last evaluated: 2023-05-03. Review status: criteria provided, single submitter. Criteria: ACMG Guidelines, 2015. Collection method: clinical testing. Allele origin: germline. Affected: yes. Observed: 2 variant alleles.

Revvity Omics, Revvity
Classification: Pathogenic. Last evaluated: 2022-09-07. Review status: criteria provided, single submitter. Criteria: ACMG Guidelines, 2015. Collection method: clinical testing. Allele origin: germline.

Eurofins Ntd Llc (ga)
Classification: Pathogenic. Last evaluated: 2016-06-20. Review status: criteria provided, single submitter. Criteria: EGL Classification Definitions. Collection method: clinical testing. Allele origin: germline. Observed: 1 variant allele, 1 homozygote.

Athena Diagnostics
Classification: Pathogenic. Last evaluated: 2014-12-08. Review status: criteria provided, single submitter. Criteria: Athena Diagnostics Criteria. Collection method: clinical testing. Allele origin: unknown.
Comment: The variant results in a shift of the reading frame, and is therefore predicted to result in the loss of a functional protein. Not found in the total gnomAD dataset. Found in multiple individuals with expected phenotype for this gene.

Literature cited by the submitters: PubMed 17698709 (cited by Labcorp Genetics (formerly Invitae), Labcorp); PubMed 20301480 (cited by Labcorp Genetics (formerly Invitae), Labcorp); PubMed 9731526 (cited by Labcorp Genetics (formerly Invitae), Labcorp and Athena Diagnostics); PubMed 27671536 (cited by Labcorp Genetics (formerly Invitae), Labcorp).

NM_001130987.2(DYSF):c.167dup (p.Ile58fs)

Gene: DYSF (dysferlin; plus strand). Cytogenetic location: 2p13.2.
Variant type: Duplication.
Coding change: c.167dup on transcript NM_001130987.2 (MANE Select); coding-DNA position 167, one base duplicated (A; older notation c.167dupA).
Protein change: p.Ile58fs; shifts the reading frame from isoleucine 58.
Molecular consequence: frameshift variant.
Genome position (GRCh38, 1-based): chr2:71,481,898, A duplicated; the last of 2 consecutive A bases (chr2:71,481,897-71,481,898); duplicating either gives the same sequence. VCF-style (leftmost placement, unchanged base first): chr2-71481896-C-CA. GRCh37 (hg19) VCF-style: chr2-71709026-C-CA.
Other names: c.167dup, p.Ile58fs (NM_001130455.2, NM_001130982.2, NM_001130983.2 and 3 more transcripts); c.164dup, p.Ile57fs (NM_001130976.2, NM_001130977.2, NM_001130978.2 and 4 more transcripts); short protein forms I57fs, I58fs.
Identifiers: ClinVar variation 217222 (VCV000217222.18), dbSNP rs863225020, ClinGen allele CA279067.